The following is an entry in ClinVar:

NM_000321.3(RB1):c.149A>C (p.Glu50Ala)

Gene: RB1 (RB transcriptional corepressor 1; plus strand). Cytogenetic location: 13q14.2.
Variant type: single nucleotide variant.
Coding change: c.149A>C on transcript NM_000321.3 (MANE Select); coding-DNA position 149, A replaced by C.
Protein change: p.Glu50Ala; replaces glutamic acid 50 with alanine.
Molecular consequence: missense variant.
Genome position (GRCh38, 1-based): chr13:48,307,291, A>C. VCF-style: chr13-48307291-A-C. GRCh37 (hg19) VCF-style: chr13-48881427-A-C.
Other names: c.149A>C, p.Glu50Ala (NM_001407165.1, NM_001407166.1, NM_001407167.1); short protein forms E50A.
Identifiers: ClinVar variation 3430921 (VCV003430921.1).

ClinVar aggregate classification (germline): Uncertain significance (1 of 4 stars; one submission).

Conditions:
Hereditary cancer-predisposing syndrome. Also called: Neoplastic Syndromes, Hereditary; Tumor predisposition; Hereditary Cancer Syndrome; Hereditary neoplastic syndrome. Identifiers: Orphanet 140162, MedGen C0027672, MeSH D009386, MONDO:0015356.

gnomAD v4.1: 1 of 1,606,588 alleles (0.000062%); highest among the groups gnomAD compares: South Asian, 0.0011%; no homozygotes.

Submission:

Ambry Genetics
Classification: Uncertain significance for Hereditary cancer-predisposing syndrome. Last evaluated: 2024-11-16. Review status: criteria provided, single submitter. Criteria: Ambry Variant Classification Scheme 2023. Collection method: clinical testing. Allele origin: germline.
Comment: The p.E50A variant (also known as c.149A>C), located in coding exon 2 of the RB1 gene, results from an A to C substitution at nucleotide position 149. The glutamic acid at codon 50 is replaced by alanine, an amino acid with dissimilar properties. This amino acid position is conserved. In addition, the in silico prediction for this alteration is inconclusive. Based on the available evidence, the clinical significance of this variant remains unclear.